The following is an entry in ClinVar:

NM_001204.7(BMPR2):c.68C>A (p.Thr23Asn)

Gene: BMPR2 (bone morphogenetic protein receptor type 2; plus strand). Cytogenetic location: 2q33.1.
Variant type: single nucleotide variant.
Coding change: c.68C>A on transcript NM_001204.7 (MANE Select); coding-DNA position 68, C replaced by A.
Protein change: p.Thr23Asn; replaces threonine 23 with asparagine.
Molecular consequence: missense variant.
Genome position (GRCh38, 1-based): chr2:202,377,542, C>A. VCF-style: chr2-202377542-C-A. GRCh37 (hg19) VCF-style: chr2-203242265-C-A.
Other names: short protein forms T23N.
Identifiers: ClinVar variation 4867641 (VCV004867641.1).

ClinVar aggregate classification (germline): Uncertain significance (1 of 4 stars; one submission).

Conditions:
Inborn genetic diseases. Identifiers: MedGen C0950123, MeSH D030342.

Submission:

Ambry Genetics
Classification: Uncertain significance for Inborn genetic diseases. Last evaluated: 2026-05-24. Review status: criteria provided, single submitter. Criteria: Ambry Variant Classification Scheme 2023. Collection method: clinical testing. Allele origin: germline.
Comment: The p.T23N variant (also known as c.68C>A), located in coding exon 1 of the BMPR2 gene, results from a C to A substitution at nucleotide position 68. The threonine at codon 23 is replaced by asparagine, an amino acid with similar properties. This amino acid position is conserved. In addition, this alteration is predicted to be tolerated by in silico analysis. Based on the available evidence, the clinical significance of this variant remains unclear.